The following is an entry in ClinVar:

ClinVar aggregate classification (germline): Uncertain significance (1 of 4 stars; one submission).

Conditions:
Facioscapulohumeral muscular dystrophy 2 (FSHD2). Also called: MUSCULAR DYSTROPHY, FACIOSCAPULOHUMERAL, TYPE 1B; FACIOSCAPULOHUMERAL MUSCULAR DYSTROPHY 2, DIGENIC; FSHD2, DIGENIC. Identifiers: Orphanet 269, MedGen C1834671, MONDO:0008031, OMIM 158901.

Allele frequency attached by ClinVar (database versions not stated): gnomAD exomes below 0.00001; gnomAD 0.00001; TOPMed 0.00001.
gnomAD v4.1: 2 of 1,602,212 alleles (0.00012%); highest among the groups gnomAD compares: Non-Finnish European, 0.000085%; no homozygotes.

Submission:

Labcorp Genetics (formerly Invitae), Labcorp
Classification: Uncertain significance for Facioscapulohumeral muscular dystrophy 2. Last evaluated: 2021-04-03. Review status: criteria provided, single submitter. Criteria: Invitae Variant Classification Sherloc (09022015). Collection method: clinical testing. Allele origin: germline.
Comment: This sequence change replaces valine with methionine at codon 199 of the SMCHD1 protein (p.Val199Met). The valine residue is highly conserved and there is a small physicochemical difference between valine and methionine. This variant is not present in population databases (ExAC no frequency). In summary, the available evidence is currently insufficient to determine the role of this variant in disease. Therefore, it has been classified as a Variant of Uncertain Significance. Algorithms developed to predict the effect of missense changes on protein structure and function are either unavailable or do not agree on the potential impact of this missense change (SIFT: "Deleterious"; PolyPhen-2: "Probably Damaging"; Align-GVGD: "Class C0"). This variant has not been reported in the literature in individuals with SMCHD1-related conditions.

NM_015295.3(SMCHD1):c.595G>A (p.Val199Met)

Gene: SMCHD1 (structural maintenance of chromosomes flexible hinge domain containing 1; plus strand). Cytogenetic location: 18p11.32.
Variant type: single nucleotide variant.
Coding change: c.595G>A on transcript NM_015295.3 (MANE Select); coding-DNA position 595, G replaced by A.
Protein change: p.Val199Met; replaces valine 199 with methionine.
Molecular consequence: missense variant.
Genome position (GRCh38, 1-based): chr18:2,674,102, G>A. VCF-style: chr18-2674102-G-A. GRCh37 (hg19) VCF-style: chr18-2674101-G-A.
Other names: short protein forms V199M.
Identifiers: ClinVar variation 1408228 (VCV001408228.8), dbSNP rs2073683695, ClinGen allele CA401690214.